The following is an entry in ClinVar:

NM_001378454.1(ALMS1):c.6813dup (p.Met2272fs)

Gene: ALMS1 (ALMS1 centrosome and basal body associated protein; plus strand). Cytogenetic location: 2p13.1.
Variant type: Duplication.
Coding change: c.6813dup on transcript NM_001378454.1 (MANE Select); coding-DNA position 6813, one base duplicated (T; older notation c.6813dupT).
Protein change: p.Met2272fs; shifts the reading frame from methionine 2272.
Molecular consequence: frameshift variant.
Genome position (GRCh38, 1-based): chr2:73,453,340, T duplicated. VCF-style (leftmost placement, unchanged base first): chr2-73453339-A-AT. GRCh37 (hg19) VCF-style: chr2-73680466-A-AT.
Other names: c.6816dup, p.Met2273fs (NM_015120.4); short protein forms M2272fs, M2273fs.
Identifiers: ClinVar variation 1378268 (VCV001378268.6), dbSNP rs1671989236, ClinGen allele CA1260962359.

ClinVar aggregate classification (germline): Pathogenic (1 of 4 stars; one submission).

Conditions:
Alstrom syndrome (ALMS). Identifiers: Orphanet 64, MedGen C0268425, MONDO:0008763, OMIM 203800.

Allele frequency attached by ClinVar (database versions not stated): TOPMed below 0.00001.

Submission:

Labcorp Genetics (formerly Invitae), Labcorp
Classification: Pathogenic for Alstrom syndrome. Last evaluated: 2021-02-02. Review status: criteria provided, single submitter. Criteria: Invitae Variant Classification Sherloc (09022015). Collection method: clinical testing. Allele origin: germline.
Comment: For these reasons, this variant has been classified as Pathogenic. This variant has not been reported in the literature in individuals with ALMS1-related conditions. This variant is not present in population databases (ExAC no frequency). This sequence change creates a premature translational stop signal (p.Met2273Tyrfs*19) in the ALMS1 gene. It is expected to result in an absent or disrupted protein product. Loss-of-function variants in ALMS1 are known to be pathogenic (PMID: 17594715).

Literature cited by the submitters: PubMed 17594715.